The following is an entry in ClinVar:

ClinVar aggregate classification (germline): Uncertain significance (1 of 4 stars; one submission).

Conditions:
Lower motor neuron syndrome with late-adult onset (SMAJ). Also called: Spinal muscular atrophy, Jokela type; Late-Onset Spinal Motor Neuronopathy (SMAJ). Identifiers: Orphanet 276435, MedGen C3554398, MONDO:0014025, OMIM 615048.
Frontotemporal dementia and/or amyotrophic lateral sclerosis 2. Also called: FTDALS2. Identifiers: Orphanet 275872, MedGen C4014648, MONDO:0014395, OMIM 615911.
Autosomal dominant mitochondrial myopathy with exercise intolerance (IMMD). Also called: Myopathy, isolated mitochondrial, autosomal dominant. Identifiers: Orphanet 457050, MedGen C4015513, MONDO:0014532, OMIM 616209.

Submission:

Labcorp Genetics (formerly Invitae), Labcorp
Classification: Uncertain significance for Lower motor neuron syndrome with late-adult onset; Frontotemporal dementia and/or amyotrophic lateral sclerosis 2; Autosomal dominant mitochondrial myopathy with exercise intolerance. Last evaluated: 2022-11-01. Review status: criteria provided, single submitter. Criteria: Invitae Variant Classification Sherloc (09022015). Collection method: clinical testing. Allele origin: germline.
Comment: This variant is a gross deletion of the genomic region encompassing exon(s) 1-2 of the CHCHD10 gene, which includes the initiator codon. This deletion extends beyond the assayed region for this gene and therefore may encompass additional genes. It is expected to result in an absent or disrupted protein product. However, the current clinical and genetic evidence is not sufficient to establish whether loss-of-function variants in CHCHD10 cause disease. This variant has not been reported in the literature in individuals affected with CHCHD10-related conditions. In summary, the available evidence is currently insufficient to determine the role of this variant in disease. Therefore, it has been classified as a Variant of Uncertain Significance.

NC_000022.10:g.(?_24109541)_(24110061_?)del

Gene: CHCHD10 (coiled-coil-helix-coiled-coil-helix domain containing 10; minus strand). Cytogenetic location: 22q11.23.
Variant type: Deletion.
Identifiers: ClinVar variation 2427792 (VCV002427792.3).